The following is an entry in ClinVar:

ClinVar aggregate classification (germline): Uncertain significance (1 of 4 stars; one submission).

gnomAD v4.1: 11 of 1,606,176 alleles (0.00068%); highest among the groups gnomAD compares: African/African-American, 0.0013%; no homozygotes.

Submission:

Ambry Genetics
Classification: Uncertain significance. Last evaluated: 2025-10-18. Review status: criteria provided, single submitter. Criteria: Ambry Variant Classification Scheme 2023. Collection method: clinical testing. Allele origin: germline.
Comment: The c.1979G>A (p.R660Q) alteration is located in exon 10 (coding exon 4) of the ZNF45 gene. This alteration results from a G to A substitution at nucleotide position 1979, causing the arginine (R) at amino acid position 660 to be replaced by a glutamine (Q). Based on data from gnomAD, the A allele has an overall frequency of <0.001% (1/244674) total alleles studied. The highest observed frequency was 0.001% (1/110496) of European (non-Finnish) alleles. Based on insufficient or conflicting evidence, the clinical significance of this alteration remains unclear.

NM_003425.4(ZNF45):c.1979G>A (p.Arg660Gln)

Genes: ZNF45 (zinc finger protein 45; minus strand), ZNF45-AS1 (ZNF45 antisense RNA 1; plus strand). Cytogenetic location: 19q13.31.
Variant type: single nucleotide variant.
Coding change: c.1979G>A on transcript NM_003425.4 (MANE Select); coding-DNA position 1979, G replaced by A.
Protein change: p.Arg660Gln; replaces arginine 660 with glutamine.
Molecular consequence: missense variant.
Genome position (GRCh38, 1-based): chr19:43,913,457, C>T on the plus strand (G>A on the coding strand, the complement: ZNF45 is on the minus strand). VCF-style: chr19-43913457-C-T. GRCh37 (hg19) VCF-style: chr19-44417609-C-T.
Other names: short protein forms R660Q.
Identifiers: ClinVar variation 4609939 (VCV004609939.1).
Genomic context (GRCh38, chr19:43,913,457, plus strand): 5'-TTCCTGTGTGAATCCTCTGATGAAGGAAAGTCCTTGTCACCCTCATCATCAGCATGGACT[C>T]GCTGATGAATGATAAGACTTGAGCTCCAACTGAAGCCCTTCCCACACTCCTCACATTTGT-3'
Protein context (NP_003416.1, residues 650-670): SWSSSLIIHQ[Arg660Gln]VHADDEGDKD